The following is an entry in ClinVar:

ClinVar aggregate classification (germline): Uncertain significance (1 of 4 stars; one submission).

Conditions:
Neurodevelopmental disorder with hypotonia and brain abnormalities. Identifiers: MedGen C5561977, MONDO:0859187, OMIM 619512.

Submission:

MVZ Medizinische Genetik Mainz
Classification: Uncertain significance for Neurodevelopmental disorder with hypotonia and brain abnormalities. Last evaluated: 2025-01-09. Review status: criteria provided, single submitter. Criteria: UK Practice Guidelines For Variant Classification V4 01 2020. Collection method: clinical testing. Allele origin: germline. Inheritance: Autosomal dominant inheritance. Affected: yes. Observed: 1 variant allele.
Comment: ACMG Criteria: PP3_MOD,PM2_SUP,PP2

NM_001829.4(CLCN3):c.1516G>C (p.Ala506Pro)

Gene: CLCN3 (chloride voltage-gated channel 3; plus strand). Cytogenetic location: 4q33.
Variant type: single nucleotide variant.
Coding change: c.1516G>C on transcript NM_001829.4 (MANE Select); coding-DNA position 1516, G replaced by C.
Protein change: p.Ala506Pro; replaces alanine 506 with proline.
Molecular consequence: missense variant.
Genome position (GRCh38, 1-based): chr4:169,697,687, G>C. VCF-style: chr4-169697687-G-C. GRCh37 (hg19) VCF-style: chr4-170618838-G-C.
Other names: c.1435G>C, p.Ala479Pro (NM_001243372.2, NM_001243374.2); c.1516G>C, p.Ala506Pro (NM_173872.4); short protein forms A479P, A506P.
Identifiers: ClinVar variation 3601966 (VCV003601966.1).